The following is an entry in ClinVar:

NM_004208.4(AIFM1):c.1208A>T (p.Asn403Ile)

Genes: AIFM1 (apoptosis inducing factor mitochondria associated 1; minus strand), RAB33A (RAB33A, member RAS oncogene family; plus strand). Cytogenetic location: Xq26.1.
Variant type: single nucleotide variant.
Coding change: c.1208A>T on transcript NM_004208.4 (MANE Select); coding-DNA position 1208, A replaced by T.
Protein change: p.Asn403Ile; replaces asparagine 403 with isoleucine.
Molecular consequence: missense variant. On other transcripts: 3 prime UTR variant (1), non-coding transcript variant (1).
Genome position (GRCh38, 1-based): chrX:130,136,142, T>A on the plus strand (A>T on the coding strand, the complement: AIFM1 is on the minus strand). VCF-style: chrX-130136142-T-A. GRCh37 (hg19) VCF-style: chrX-129270117-T-A.
Other names: c.191A>T, p.Asn64Ile (NM_001130846.4); c.*436A>T (NM_001130847.4); c.1196A>T, p.Asn399Ile (NM_145812.3); short protein forms N399I, N403I, N64I.
Identifiers: ClinVar variation 2507156 (VCV002507156.3), dbSNP rs2030326799, ClinGen allele CA414575275.

ClinVar aggregate classification (germline): Conflicting classifications of pathogenicity. Review status: criteria provided, conflicting classifications (1 of 4 stars). 3 submissions from 3 submitters: Likely pathogenic (1); Uncertain significance (2). Last evaluated 2024-10-21.

Conditions:
Inborn genetic diseases. Identifiers: MedGen C0950123, MeSH D030342.
AIFM1-related disorder. Also called: AIFM1-related condition.

Submissions (3):

Ambry Genetics
Classification: Uncertain significance for Inborn genetic diseases. Last evaluated: 2024-10-21. Review status: criteria provided, single submitter. Criteria: Ambry Variant Classification Scheme 2023. Collection method: clinical testing. Allele origin: germline.
Comment: The c.1208A>T (p.N403I) alteration is located in exon 12 (coding exon 12) of the AIFM1 gene. This alteration results from a A to T substitution at nucleotide position 1208, causing the asparagine (N) at amino acid position 403 to be replaced by an isoleucine (I). This variant was not reported in population-based cohorts in the Genome Aggregation Database (gnomAD). This amino acid position is well conserved in available vertebrate species. This alteration is predicted to be deleterious by in silico analysis. Based on insufficient or conflicting evidence, the clinical significance of this alteration remains unclear.

PreventionGenetics, part of Exact Sciences
Classification: Uncertain significance for AIFM1-related condition. Last evaluated: 2023-09-06. Review status: criteria provided, single submitter. Criteria: ACMG Guidelines, 2015. Collection method: clinical testing. Allele origin: germline.
Comment: The AIFM1 c.1208A>T variant is predicted to result in the amino acid substitution p.Asn403Ile. To our knowledge, this variant has not been reported in the literature or in a large population database, indicating this variant is rare. At this time, the clinical significance of this variant is uncertain due to the absence of conclusive functional and genetic evidence.

GeneDx
Classification: Likely pathogenic. Last evaluated: 2023-07-01. Review status: criteria provided, single submitter. Criteria: GeneDx Variant Classification Process June 2021. Collection method: clinical testing. Allele origin: germline. Affected: yes.
Comment: Has not been previously published as pathogenic or benign to our knowledge; Not observed at significant frequency in large population cohorts (gnomAD); In silico analysis supports that this missense variant has a deleterious effect on protein structure/function